The following is an entry in ClinVar:

NM_000642.3(AGL):c.4099G>T (p.Gly1367Ter)

Gene: AGL (amylo-alpha-1,6-glucosidase and 4-alpha-glucanotransferase; plus strand). Cytogenetic location: 1p21.2.
Variant type: single nucleotide variant.
Coding change: c.4099G>T on transcript NM_000642.3 (MANE Select); coding-DNA position 4099, G replaced by T.
Protein change: p.Gly1367Ter; replaces glycine 1367 with a stop codon.
Molecular consequence: nonsense.
Genome position (GRCh38, 1-based): chr1:99,913,676, G>T. VCF-style: chr1-99913676-G-T. GRCh37 (hg19) VCF-style: chr1-100379232-G-T.
Other names: c.4099G>T, p.Gly1367Ter (NM_001425325.1, NM_000028.3, NM_000643.3 and 1 more transcripts); c.4078G>T, p.Gly1360Ter (NM_001425326.1); c.3898G>T, p.Gly1300Ter (NM_001425327.1); c.3895G>T, p.Gly1299Ter (NM_001425328.1); c.3760G>T, p.Gly1254Ter (NM_001425329.1); c.3721G>T, p.Gly1241Ter (NM_001425332.1); c.4051G>T, p.Gly1351Ter (NM_000646.3); short protein forms G1351*, G1367*, G1241*, G1254*, G1299*, G1300*, G1360*.
Identifiers: ClinVar variation 1724370 (VCV001724370.2), dbSNP rs2523826031, ClinGen allele CA341340107.

ClinVar aggregate classification (germline): Likely pathogenic (1 of 4 stars; one submission).

Conditions:
Glycogen storage disease type III (GSD3). Also called: FORBES DISEASE; Cori disease. Identifiers: Orphanet 366, MedGen C0017922, MONDO:0009291, OMIM 232400.

Submission:

Myriad Genetics, Inc.
Classification: Likely pathogenic for Glycogen storage disease type III. Last evaluated: 2022-02-12. Review status: criteria provided, single submitter. Criteria: Myriad Women's Health Autosomal Recessive and X-Linked Classification Criteria (2021). Collection method: clinical testing. Allele origin: unknown.
Comment: NM_000642.2(AGL):c.4099G>T(G1367*) is expected to be pathogenic in the context of glycogen storage disease type III. This variant is predicted to lead to an abnormal or absent protein product due to the creation of a premature termination codon in AGL, a gene where loss-of-function variants are known to be pathogenic. Please note: this variant was assessed in the context of healthy population screening.